The following is an entry in ClinVar:

ClinVar aggregate classification (germline): Uncertain significance. Review status: criteria provided, multiple submitters, no conflicts (2 of 4 stars). 4 submissions from 4 submitters: Uncertain significance (3). 1 of the submissions does not count toward it. Last evaluated 2024-11-01.

Conditions:
GLUD1-related disorder. Also called: GLUD1-related condition.
Hyperinsulinism-hyperammonemia syndrome (HHF6). Identifiers: Orphanet 35878, MedGen C1847555, MONDO:0011717, OMIM 606762.

Allele frequency attached by ClinVar (database versions not stated): gnomAD exomes 0.00003 and 0.00004; ExAC 0.00004; gnomAD 0.00005 and 0.00006; TOPMed 0.00007; ESP Exome Variant Server 0.00008.
gnomAD v4.1: 52 of 1,612,742 alleles (0.0032%); highest among the groups gnomAD compares: African/African-American, 0.017%; no homozygotes.

Submissions (4):

Labcorp Genetics (formerly Invitae), Labcorp
Classification: Uncertain significance for Hyperinsulinism-hyperammonemia syndrome. Last evaluated: 2024-11-01. Review status: criteria provided, single submitter. Criteria: Invitae Variant Classification Sherloc (09022015). Collection method: clinical testing. Allele origin: germline.
Comment: This sequence change replaces asparagine, which is neutral and polar, with serine, which is neutral and polar, at codon 551 of the GLUD1 protein (p.Asn551Ser). This variant is present in population databases (rs373705613, gnomAD 0.009%). This variant has not been reported in the literature in individuals affected with GLUD1-related conditions. ClinVar contains an entry for this variant (Variation ID: 301389). Invitae Evidence Modeling of protein sequence and biophysical properties (such as structural, functional, and spatial information, amino acid conservation, physicochemical variation, residue mobility, and thermodynamic stability) indicates that this missense variant is not expected to disrupt GLUD1 protein function with a negative predictive value of 80%. In summary, the available evidence is currently insufficient to determine the role of this variant in disease. Therefore, it has been classified as a Variant of Uncertain Significance.

Baylor Genetics
Classification: Uncertain significance for Hyperinsulinism-hyperammonemia syndrome. Last evaluated: 2019-11-19. Review status: criteria provided, single submitter. Criteria: ACMG Guidelines, 2015. Collection method: clinical testing. Allele origin: unknown. Affected: yes.
Comment: This variant was determined to be of uncertain significance according to ACMG Guidelines, 2015 [PMID:25741868].

Illumina Laboratory Services, Illumina
Classification: Uncertain significance for Hyperinsulinism-hyperammonemia syndrome. Last evaluated: 2018-01-13. Review status: criteria provided, single submitter. Criteria: ICSL Variant Classification Criteria 13 December 2019. Collection method: clinical testing. Allele origin: germline.

PreventionGenetics, part of Exact Sciences
Classification: Uncertain significance for GLUD1-related condition. Last evaluated: 2024-04-11. Review status: no assertion criteria provided. Collection method: clinical testing. Allele origin: germline. Not counted in ClinVar's aggregate classification.
Comment: The GLUD1 c.1652A>G variant is predicted to result in the amino acid substitution p.Asn551Ser. To our knowledge, this variant has not been reported in the literature. This variant is reported in 0.0085% of alleles in individuals of Latino descent in gnomAD. At this time, the clinical significance of this variant is uncertain due to the absence of conclusive functional and genetic evidence.

NM_005271.5(GLUD1):c.1652A>G (p.Asn551Ser)

Gene: GLUD1 (glutamate dehydrogenase 1; minus strand). Cytogenetic location: 10q23.2.
Variant type: single nucleotide variant.
Coding change: c.1652A>G on transcript NM_005271.5 (MANE Select); coding-DNA position 1652, A replaced by G.
Protein change: p.Asn551Ser; replaces asparagine 551 with serine.
Molecular consequence: missense variant.
Genome position (GRCh38, 1-based): chr10:87,051,776, T>C on the plus strand (A>G on the coding strand, the complement: GLUD1 is on the minus strand). VCF-style: chr10-87051776-T-C. GRCh37 (hg19) VCF-style: chr10-88811533-T-C.
Other names: c.1652A>G (NM_005271.4); c.1253A>G, p.Asn418Ser (NM_001318900.1); c.1151A>G, p.Asn384Ser (NM_001318901.1, NM_001318902.1, NM_001318904.2 and 2 more transcripts); short protein forms N551S, N384S, N418S.
Identifiers: ClinVar variation 301389 (VCV000301389.9), dbSNP rs373705613, ClinGen allele CA5587366.